The following is an entry in ClinVar:

ClinVar aggregate classification (germline): Likely benign. Review status: criteria provided, multiple submitters, no conflicts (2 of 4 stars). 5 submissions from 5 submitters: Likely benign (4). 1 of the submissions does not count toward it. Last evaluated 2024-11-26.

Conditions:
SCAPER-related disorder. Also called: SCAPER-related condition.
Inborn genetic diseases. Identifiers: MedGen C0950123, MeSH D030342.

Allele frequency attached by ClinVar (database versions not stated): 1000 Genomes Project 30x 0.00094; 1000 Genomes Project 0.00100; ESP Exome Variant Server 0.00100; gnomAD 0.00110 and 0.00116; TOPMed 0.00139; gnomAD exomes 0.00152 and 0.00162; ExAC 0.00178.
gnomAD v4.1: 2,431 of 1,613,840 alleles (0.15%); highest among the groups gnomAD compares: Middle Eastern, 0.28%; 9 homozygotes.

Submissions (5):

Blueprint Genetics
Classification: Likely benign. Last evaluated: 2024-11-26. Review status: criteria provided, single submitter. Criteria: ACMG Guidelines, 2015. Collection method: clinical testing. Allele origin: germline.

CeGaT Center for Human Genetics Tuebingen
Classification: Likely benign. Last evaluated: 2024-11-01. Review status: criteria provided, single submitter. Criteria: CeGaT Center For Human Genetics Tuebingen Variant Classification Criteria Version 2. Collection method: clinical testing. Allele origin: germline. Affected: yes. Observed: 7 variant alleles.
Comment: SCAPER: BP4, BS2

Ambry Genetics
Classification: Likely benign for Inborn genetic diseases. Last evaluated: 2024-01-17. Review status: criteria provided, single submitter. Criteria: Ambry Variant Classification Scheme 2023. Collection method: clinical testing. Allele origin: germline.

Labcorp Genetics (formerly Invitae), Labcorp
Classification: Likely benign. Last evaluated: 2019-12-31. Review status: criteria provided, single submitter. Criteria: Invitae Variant Classification Sherloc (09022015). Collection method: clinical testing. Allele origin: germline.

PreventionGenetics, part of Exact Sciences
Classification: Likely benign for SCAPER-related condition. Last evaluated: 2022-07-11. Review status: no assertion criteria provided. Collection method: clinical testing. Allele origin: germline. Not counted in ClinVar's aggregate classification.
Comment: This variant is classified as likely benign based on ACMG/AMP sequence variant interpretation guidelines (Richards et al. 2015 PMID: 25741868, with internal and published modifications).

NM_020843.4(SCAPER):c.835A>G (p.Thr279Ala)

Gene: SCAPER (S-phase cyclin A associated protein in the ER; minus strand). Cytogenetic location: 15q24.3.
Variant type: single nucleotide variant.
Coding change: c.835A>G on transcript NM_020843.4 (MANE Select); coding-DNA position 835, A replaced by G.
Protein change: p.Thr279Ala; replaces threonine 279 with alanine.
Molecular consequence: missense variant. On other transcripts: non-coding transcript variant (1).
Genome position (GRCh38, 1-based): chr15:76,775,055, T>C on the plus strand (A>G on the coding strand, the complement: SCAPER is on the minus strand). VCF-style: chr15-76775055-T-C. GRCh37 (hg19) VCF-style: chr15-77067396-T-C.
Other names: c.835A>G (NM_001353009.1); c.97A>G, p.Thr33Ala (NM_001145923.2); c.835A>G, p.Thr279Ala (NM_001353009.2); c.433A>G, p.Thr145Ala (NM_001353010.2, NM_001353011.2, NM_001353012.2); short protein forms T33A, T145A, T279A.
Identifiers: ClinVar variation 774945 (VCV000774945.41), dbSNP rs142461932, ClinGen allele CA7675077.